The following is an entry in ClinVar:

ClinVar aggregate classification (germline): Uncertain significance (1 of 4 stars; one submission).

Allele frequency attached by ClinVar (database versions not stated): gnomAD exomes below 0.00001; ExAC 0.00001; TOPMed 0.00001.
gnomAD v4.1: 3 of 1,591,626 alleles (0.00019%); highest among the groups gnomAD compares: Admixed American, 0.0017%; no homozygotes.

Submission:

Labcorp Genetics (formerly Invitae), Labcorp
Classification: Uncertain significance. Last evaluated: 2024-12-09. Review status: criteria provided, single submitter. Criteria: Invitae Variant Classification Sherloc (09022015). Collection method: clinical testing. Allele origin: germline.
Comment: This sequence change replaces histidine, which is basic and polar, with tyrosine, which is neutral and polar, at codon 1455 of the AHDC1 protein (p.His1455Tyr). This variant is present in population databases (rs753448843, gnomAD 0.006%). This variant has not been reported in the literature in individuals affected with AHDC1-related conditions. ClinVar contains an entry for this variant (Variation ID: 1952087). An algorithm developed to predict the effect of missense changes on protein structure and function (PolyPhen-2) suggests that this variant is likely to be tolerated. In summary, the available evidence is currently insufficient to determine the role of this variant in disease. Therefore, it has been classified as a Variant of Uncertain Significance.

NM_001371928.1(AHDC1):c.4363C>T (p.His1455Tyr)

Gene: AHDC1 (AT-hook DNA binding motif containing 1; minus strand). Cytogenetic location: 1p36.11.
Variant type: single nucleotide variant.
Coding change: c.4363C>T on transcript NM_001371928.1 (MANE Select); coding-DNA position 4363, C replaced by T.
Protein change: p.His1455Tyr; replaces histidine 1455 with tyrosine.
Molecular consequence: missense variant.
Genome position (GRCh38, 1-based): chr1:27,547,753, G>A on the plus strand (C>T on the coding strand, the complement: AHDC1 is on the minus strand). VCF-style: chr1-27547753-G-A. GRCh37 (hg19) VCF-style: chr1-27874264-G-A.
Other names: c.4363C>T, p.His1455Tyr (NM_001029882.3); c.319C>T, p.His107Tyr (NM_015699.1); short protein forms H1455Y, H107Y.
Identifiers: ClinVar variation 1952087 (VCV001952087.5), dbSNP rs753448843, ClinGen allele CA715376.